The following is an entry in ClinVar:

NM_001267550.2(TTN):c.28133del (p.Pro9378fs)

Gene: TTN (titin; minus strand). Cytogenetic location: 2q31.2.
Variant type: Deletion.
Coding change: c.28133del on transcript NM_001267550.2 (MANE Select); coding-DNA position 28133, one base deleted (C; older notation c.28133delC).
Protein change: p.Pro9378fs; shifts the reading frame from proline 9378.
Molecular consequence: frameshift variant. On other transcripts: intron variant (3).
Genome position (GRCh38, 1-based): chr2:178,711,103, G deleted on the plus strand (C on the coding strand, the reverse complement: TTN is on the minus strand); the first of 3 consecutive G bases (chr2:178,711,103-178,711,105); deleting any one gives the same sequence. VCF-style (leftmost placement, unchanged base first): chr2-178711102-AG-A. GRCh37 (hg19) VCF-style: chr2-179575829-AG-A.
Other names: c.27182del, p.Pro9061fs (NM_001256850.1); c.24401del, p.Pro8134fs (NM_133378.4); c.13282+26979del (NM_003319.4); c.13858+26979del (NM_133437.4); c.13657+26979del (NM_133432.3); short protein forms P8134fs, P9061fs, P9378fs.
Identifiers: ClinVar variation 3757634 (VCV003757634.2).

ClinVar aggregate classification (germline): Likely pathogenic (1 of 4 stars; one submission).

Conditions:
Dilated cardiomyopathy 1G (CMD1G). Identifiers: Orphanet 154, MedGen C1858763, MONDO:0011400, OMIM 604145.
Autosomal recessive limb-girdle muscular dystrophy type 2J (LGMDR10). Also called: Limb-girdle muscular dystrophy, type 2J; MUSCULAR DYSTROPHY, LIMB-GIRDLE, AUTOSOMAL RECESSIVE 10. Identifiers: Orphanet 140922, MedGen C1837342, MONDO:0012127, OMIM 608807.

Submission:

Labcorp Genetics (formerly Invitae), Labcorp
Classification: Likely pathogenic for Dilated cardiomyopathy 1G; Autosomal recessive limb-girdle muscular dystrophy type 2J. Last evaluated: 2024-08-14. Review status: criteria provided, single submitter. Criteria: Invitae Variant Classification Sherloc (09022015). Collection method: clinical testing. Allele origin: germline.
Comment: This sequence change creates a premature translational stop signal (p.Pro9378Leufs*2) in the TTN gene. While this is not anticipated to result in nonsense mediated decay, it is expected to create a truncated TTN protein. This variant is not present in population databases (gnomAD no frequency). This variant has not been reported in the literature in individuals affected with TTN-related conditions. This variant is located in the I band of TTN (PMID: 25589632). Truncating variants in this region have been reported in individuals affected with autosomal recessive centronuclear myopathy (PMID: 23975875, Invitae internal data). Truncating variants in this region have also been identified in individuals affected with autosomal dominant dilated cardiomyopathy and/or cardio-related conditions (PMID: 27869827, 32964742, Invitae internal data). In summary, the currently available evidence indicates that the variant is pathogenic, but additional data are needed to prove that conclusively. Therefore, this variant has been classified as Likely Pathogenic.

Literature cited by the submitters: PubMed 25589632; PubMed 23975875; PubMed 27869827; PubMed 32964742.